The following is an entry in ClinVar:

ClinVar aggregate classification (germline): Uncertain significance (1 of 4 stars; one submission).

Allele frequency attached by ClinVar (database versions not stated): TOPMed below 0.00001; gnomAD 0.00001; 1000 Genomes Project 30x 0.00016; 1000 Genomes Project 0.00020.
gnomAD v4.1: 10 of 1,612,734 alleles (0.00062%); highest among the groups gnomAD compares: Middle Eastern, 0.017%; no homozygotes.

Submission:

Ambry Genetics
Classification: Uncertain significance. Last evaluated: 2023-09-22. Review status: criteria provided, single submitter. Criteria: Ambry Variant Classification Scheme 2023. Collection method: clinical testing. Allele origin: germline.
Comment: The p.R251G variant (also known as c.751C>G), located in coding exon 1 of the EGLN2 gene, results from a C to G substitution at nucleotide position 751. The arginine at codon 251 is replaced by glycine, an amino acid with dissimilar properties. This amino acid position is conserved. In addition, this alteration is predicted to be tolerated by in silico analysis. Since supporting evidence is limited at this time, the clinical significance of this alteration remains unclear.

NM_080732.4(EGLN2):c.751C>G (p.Arg251Gly)

Genes: EGLN2 (egl-9 family hypoxia inducible factor 2; plus strand), RAB4B-EGLN2 (RAB4B-EGLN2 readthrough (NMD candidate); plus strand). Cytogenetic location: 19q13.2.
Variant type: single nucleotide variant.
Coding change: c.751C>G on transcript NM_080732.4 (MANE Select); coding-DNA position 751, C replaced by G.
Protein change: p.Arg251Gly; replaces arginine 251 with glycine.
Molecular consequence: missense variant. On other transcripts: non-coding transcript variant (1).
Genome position (GRCh38, 1-based): chr19:40,801,323, C>G. VCF-style: chr19-40801323-C-G. GRCh37 (hg19) VCF-style: chr19-41307228-C-G.
Other names: c.751C>G, p.Arg251Gly (NM_053046.4); short protein forms R251G.
Identifiers: ClinVar variation 1759318 (VCV001759318.2), dbSNP rs558399060, ClinGen allele CA9452297.